The following is an entry in ClinVar:

ClinVar aggregate classification (germline): Conflicting classifications of pathogenicity. Review status: criteria provided, conflicting classifications (1 of 4 stars). 4 submissions from 4 submitters: Pathogenic (1); Likely pathogenic (2); Uncertain significance (1). Last evaluated 2025-04-17.

Conditions:
Ectopic tissue. Also called: Heterotopia. Identifiers: MedGen C0008519.
Lissencephaly type 1 due to doublecortin gene mutation. Also called: LISSENCEPHALY, X-LINKED, 1; LISSENCEPHALY AND AGENESIS OF CORPUS CALLOSUM. Identifiers: Orphanet 2148, MedGen C4551968, MONDO:0010239, OMIM 300067.

Submissions (4):

Women's Health and Genetics/Laboratory Corporation of America, LabCorp
Classification: Likely pathogenic for Lissencephaly type 1 due to doublecortin gene mutation. Last evaluated: 2025-04-17. Review status: criteria provided, single submitter. Criteria: LabCorp Variant Classification Summary - May 2015. Collection method: clinical testing. Allele origin: germline.
Comment: Variant summary: DCX c.533G>T (p.Arg178Leu) results in a non-conservative amino acid change in the encoded protein sequence. Four of five in-silico tools predict a damaging effect of the variant on protein function. The variant was absent in 182903 control chromosomes. c.533G>T has been observed in a family in which a mother and 2 of her daughters had clinical features of X-linked dominant DCX-related conditions and the variant was shown to segregate with disease (example: Gleeson_1998). These data indicate that the variant may be associated with disease. At-least two publications report experimental evidence evaluating an impact on protein function. Specifically, it was demonstrated that the variant weakens the cooperative microtubule binding and is associated with significantly reduced DCX-microtubule binding compared to wild-type (example: Bechstedt_2012, Dema_2024). The following publications have been ascertained in the context of this evaluation (PMID: 22727374, 39626666, 9489700). ClinVar contains an entry for this variant (Variation ID: 158473). Based on the evidence outlined above, the variant was classified as likely pathogenic.

Labcorp Genetics (formerly Invitae), Labcorp
Classification: Uncertain significance. Last evaluated: 2025-03-05. Review status: criteria provided, single submitter. Criteria: Invitae Variant Classification Sherloc (09022015). Collection method: clinical testing. Allele origin: germline.
Comment: This sequence change replaces arginine, which is basic and polar, with leucine, which is neutral and non-polar, at codon 178 of the DCX protein (p.Arg178Leu). This variant is not present in population databases (gnomAD no frequency). This missense change has been observed in individual(s) with clinical features of X-linked dominant DCX-related conditions (PMID: 9489700). It has also been observed to segregate with disease in related individuals. This variant is also known as R59L. ClinVar contains an entry for this variant (Variation ID: 158473). Invitae Evidence Modeling of protein sequence and biophysical properties (such as structural, functional, and spatial information, amino acid conservation, physicochemical variation, residue mobility, and thermodynamic stability) indicates that this missense variant is not expected to disrupt DCX protein function with a negative predictive value of 80%. This variant disrupts the p.Arg178 amino acid residue in DCX. Other variant(s) that disrupt this residue have been observed in individuals with DCX-related conditions (PMID: 12390976), which suggests that this may be a clinically significant amino acid residue. In summary, the available evidence is currently insufficient to determine the role of this variant in disease. Therefore, it has been classified as a Variant of Uncertain Significance.

GeneDx
Classification: Likely pathogenic. Last evaluated: 2024-09-03. Review status: criteria provided, single submitter. Criteria: GeneDx Variant Classification Process June 2021. Collection method: clinical testing. Allele origin: germline. Affected: yes.
Comment: Published functional studies demonstrate that this variant impairs cooperative microtubule binding (PMID: 22727374); Not observed at significant frequency in large population cohorts (gnomAD); In silico analysis supports that this missense variant has a deleterious effect on protein structure/function; This variant is associated with the following publications: (PMID: 22857951, 9489700, 19416314, 22727374, 25283777, 9989615, 12838518, 23365099)

Genetic Services Laboratory, University of Chicago
Classification: Pathogenic for Abnormality of neuronal migration. Last evaluated: 2013-02-08. Review status: criteria provided, single submitter. Criteria: ACMG Guidelines, 2007. Collection method: clinical testing. Allele origin: germline. Inheritance: Autosomal dominant inheritance. Affected: yes.

Literature cited by the submitters: PubMed 22727374 (cited by Women's Health and Genetics/Laboratory Corporation of America, LabCorp); PubMed 39626666 (cited by Women's Health and Genetics/Laboratory Corporation of America, LabCorp); PubMed 9489700 (cited by Women's Health and Genetics/Laboratory Corporation of America, LabCorp and Labcorp Genetics (formerly Invitae), Labcorp); PubMed 12390976 (cited by Labcorp Genetics (formerly Invitae), Labcorp).

NM_001195553.2(DCX):c.533G>T (p.Arg178Leu)

Gene: DCX (doublecortin; minus strand). Cytogenetic location: Xq23.
Variant type: single nucleotide variant.
Coding change: c.533G>T on transcript NM_001195553.2 (MANE Select); coding-DNA position 533, G replaced by T.
Protein change: p.Arg178Leu; replaces arginine 178 with leucine.
Molecular consequence: missense variant.
Genome position (GRCh38, 1-based): chrX:111,401,162, C>A on the plus strand (G>T on the coding strand, the complement: DCX is on the minus strand). VCF-style: chrX-111401162-C-A. GRCh37 (hg19) VCF-style: chrX-110644390-C-A.
Other names: c.533G>T (NM_178153.1); c.776G>T, p.Arg259Leu (NM_000555.3); c.533G>T, p.Arg178Leu (NM_001369370.1, NM_001369371.1, NM_001369372.1 and 5 more transcripts); short protein forms R178L, R259L.
Identifiers: ClinVar variation 158473 (VCV000158473.11), dbSNP rs587783559, ClinGen allele CA171983.